The following is an entry in ClinVar:

ClinVar aggregate classification (germline): Uncertain significance (1 of 4 stars; one submission).

Conditions:
Multiple congenital exostosis (EXT). Also called: Multiple osteochondromas; MULTIPLE CARTILAGINOUS EXOSTOSES; Multiple exostoses; Hereditary multiple exostoses; Hereditary multiple exostosis; Hereditary multiple osteochondromas. Identifiers: Orphanet 321, MedGen C0015306, MONDO:0005508, HP:0002762.

Submission:

Labcorp Genetics (formerly Invitae), Labcorp
Classification: Uncertain significance for Multiple congenital exostosis. Last evaluated: 2025-11-09. Review status: criteria provided, single submitter. Criteria: Invitae Variant Classification Sherloc (09022015). Collection method: clinical testing. Allele origin: germline.
Comment: This sequence change replaces aspartic acid, which is acidic and polar, with tyrosine, which is neutral and polar, at codon 60 of the EXT1 protein (p.Asp60Tyr). This variant is not present in population databases (gnomAD no frequency). This variant has not been reported in the literature in individuals affected with EXT1-related conditions. ClinVar contains an entry for this variant (Variation ID: 1407946). Invitae Evidence Modeling of protein sequence and biophysical properties (such as structural, functional, and spatial information, amino acid conservation, physicochemical variation, residue mobility, and thermodynamic stability) indicates that this missense variant is expected to disrupt EXT1 protein function with a positive predictive value of 95%. In summary, the available evidence is currently insufficient to determine the role of this variant in disease. Therefore, it has been classified as a Variant of Uncertain Significance.

NM_000127.3(EXT1):c.178G>T (p.Asp60Tyr)

Gene: EXT1 (exostosin glycosyltransferase 1; minus strand). Cytogenetic location: 8q24.11.
Variant type: single nucleotide variant.
Coding change: c.178G>T on transcript NM_000127.3 (MANE Select); coding-DNA position 178, G replaced by T.
Protein change: p.Asp60Tyr; replaces aspartic acid 60 with tyrosine.
Molecular consequence: missense variant.
Genome position (GRCh38, 1-based): chr8:118,110,869, C>A on the plus strand (G>T on the coding strand, the complement: EXT1 is on the minus strand). VCF-style: chr8-118110869-C-A. GRCh37 (hg19) VCF-style: chr8-119123108-C-A.
Other names: short protein forms D60Y.
Identifiers: ClinVar variation 1407946 (VCV001407946.8), dbSNP rs2130045112, ClinGen allele CA371916429.